The following is an entry in ClinVar:

NM_006268.5(DPF2):c.961C>T (p.Arg321Cys)

Gene: DPF2 (double PHD fingers 2; plus strand). Cytogenetic location: 11q13.1.
Variant type: single nucleotide variant.
Coding change: c.961C>T on transcript NM_006268.5 (MANE Select); coding-DNA position 961, C replaced by T.
Protein change: p.Arg321Cys; replaces arginine 321 with cysteine.
Molecular consequence: missense variant.
Genome position (GRCh38, 1-based): chr11:65,346,303, C>T. VCF-style: chr11-65346303-C-T. GRCh37 (hg19) VCF-style: chr11-65113774-C-T.
Other names: c.1003C>T, p.Arg335Cys (NM_001330308.2); short protein forms R321C, R335C.
Identifiers: ClinVar variation 4772162 (VCV004772162.1).
Genomic context (GRCh38, chr11:65,346,303, plus strand): 5'-ACAGGGCATCCATCTTGCCTCCAATTTACCCCCGTGATGATGGCGGCAGTGAAGACATAC[C>T]GCTGGCAGTGCATCGAGTGCAAATGTTGCAATATCTGCGGCACCTCCGAGAATGACGTGT-3'
Protein context (NP_006259.1, residues 311-331): PVMMAAVKTY[Arg321Cys]WQCIECKCCN

ClinVar aggregate classification (germline): Uncertain significance (1 of 4 stars; one submission).

gnomAD v4.1: 2 of 1,613,948 alleles (0.00012%); highest among the groups gnomAD compares: Admixed American, 0.0017%; no homozygotes.

Submission:

Labcorp Genetics (formerly Invitae), Labcorp
Classification: Uncertain significance. Last evaluated: 2025-12-02. Review status: criteria provided, single submitter. Criteria: Invitae Variant Classification Sherloc (09022015). Collection method: clinical testing. Allele origin: germline.
Comment: This sequence change replaces arginine, which is basic and polar, with cysteine, which is neutral and slightly polar, at codon 321 of the DPF2 protein (p.Arg321Cys). The frequency data for this variant in the population databases is considered unreliable, as metrics indicate poor data quality at this position in the gnomAD database. This variant has not been reported in the literature in individuals affected with DPF2-related conditions. An algorithm developed to predict the effect of missense changes on protein structure and function (PolyPhen-2) suggests that this variant is likely to be tolerated. In summary, the available evidence is currently insufficient to determine the role of this variant in disease. Therefore, it has been classified as a Variant of Uncertain Significance.